The following is an entry in ClinVar:

NM_006785.4(MALT1):c.2188T>C (p.Cys730Arg)

Gene: MALT1 (MALT1 paracaspase; plus strand). Cytogenetic location: 18q21.32.
Variant type: single nucleotide variant.
Coding change: c.2188T>C on transcript NM_006785.4 (MANE Select); coding-DNA position 2188, T replaced by C.
Protein change: p.Cys730Arg; replaces cysteine 730 with arginine.
Molecular consequence: missense variant.
Genome position (GRCh38, 1-based): chr18:58,747,555, T>C. VCF-style: chr18-58747555-T-C. GRCh37 (hg19) VCF-style: chr18-56414787-T-C.
Other names: c.2155T>C, p.Cys719Arg (NM_173844.3); short protein forms C730R, C719R.
Identifiers: ClinVar variation 1381769 (VCV001381769.6), dbSNP rs2144494946, ClinGen allele CA402576719.
Genomic context (GRCh38, chr18:58,747,555, plus strand): 5'-CCTCTCATTGCTAAATTAGACATGCATCGAGGTTTGGGAAGGAAGACTTGCTTTCAAACT[T>C]GTCTTATGTCTAATGGTCCTTACCAGAGTTCTGCAGCCACCTCAGGAGGAGCAGGGCATT-3'
Protein context (NP_006776.1, residues 720-740): GLGRKTCFQT[Cys730Arg]LMSNGPYQSS

ClinVar aggregate classification (germline): Uncertain significance (1 of 4 stars; one submission).

Conditions:
Combined immunodeficiency due to MALT1 deficiency. Also called: Immunodeficiency 12. Identifiers: Orphanet 397964, MedGen C3809583, MONDO:0014197, OMIM 615468.

Submission:

Labcorp Genetics (formerly Invitae), Labcorp
Classification: Uncertain significance for Combined immunodeficiency due to MALT1 deficiency. Last evaluated: 2021-09-17. Review status: criteria provided, single submitter. Criteria: Invitae Variant Classification Sherloc (09022015). Collection method: clinical testing. Allele origin: germline.
Comment: This sequence change replaces cysteine with arginine at codon 730 of the MALT1 protein (p.Cys730Arg). The cysteine residue is moderately conserved and there is a large physicochemical difference between cysteine and arginine. In summary, the available evidence is currently insufficient to determine the role of this variant in disease. Therefore, it has been classified as a Variant of Uncertain Significance. Algorithms developed to predict the effect of missense changes on protein structure and function are either unavailable or do not agree on the potential impact of this missense change (SIFT: "Deleterious"; PolyPhen-2: "Benign"; Align-GVGD: "Class C0"). This variant has not been reported in the literature in individuals affected with MALT1-related conditions. This variant is not present in population databases (ExAC no frequency).